The following is an entry in ClinVar:

ClinVar aggregate classification (germline): Uncertain significance (1 of 4 stars; one submission).

Conditions:
Glycine encephalopathy. Also called: Non-ketotic hyperglycinemia; Nonketotic hyperglycinemia. Identifiers: Orphanet 407, MedGen C0751748, MONDO:0011612, HP:0008288.

Submission:

Labcorp Genetics (formerly Invitae), Labcorp
Classification: Uncertain significance for Glycine encephalopathy. Last evaluated: 2020-11-17. Review status: criteria provided, single submitter. Criteria: Invitae Variant Classification Sherloc (09022015). Collection method: clinical testing. Allele origin: germline.
Comment: This sequence change falls in intron 6 of the GLDC gene. It does not directly change the encoded amino acid sequence of the GLDC protein. It affects a nucleotide within the consensus splice site of the intron. This variant is not present in population databases (ExAC no frequency). This variant has not been reported in the literature in individuals with GLDC-related conditions. Nucleotide substitutions within the consensus splice site are a relatively common cause of aberrant splicing (PMID: 17576681, 9536098). Algorithms developed to predict the effect of sequence changes on RNA splicing suggest that this variant is not likely to affect RNA splicing, but this prediction has not been confirmed by published transcriptional studies. In summary, the available evidence is currently insufficient to determine the role of this variant in disease. Therefore, it has been classified as a Variant of Uncertain Significance.

Literature cited by the submitters: PubMed 17576681; PubMed 9536098.

NM_000170.3(GLDC):c.861+4G>A

Gene: GLDC (glycine decarboxylase; minus strand). Cytogenetic location: 9p24.1.
Variant type: single nucleotide variant.
Coding change: c.861+4G>A on transcript NM_000170.3 (MANE Select); 4 bases into the intron after coding-DNA position 861, G replaced by A.
Molecular consequence: intron variant.
Genome position (GRCh38, 1-based): chr9:6,605,127, C>T on the plus strand (G>A on the coding strand, the complement: GLDC is on the minus strand). VCF-style: chr9-6605127-C-T. GRCh37 (hg19) VCF-style: chr9-6605127-C-T.
Identifiers: ClinVar variation 1909094 (VCV001909094.2), dbSNP rs2489104136, ClinGen allele CA2580080281.